The following is an entry in ClinVar:

ClinVar aggregate classification (germline): Conflicting classifications of pathogenicity. Review status: criteria provided, conflicting classifications (1 of 4 stars). 3 submissions from 3 submitters: Uncertain significance (2); Likely benign (1). Last evaluated 2025-10-21.

Conditions:
Hereditary cancer-predisposing syndrome. Also called: Hereditary neoplastic syndrome; Neoplastic Syndromes, Hereditary; Tumor predisposition; Hereditary Cancer Syndrome. Identifiers: Orphanet 140162, MedGen C0027672, MeSH D009386, MONDO:0015356.
Hereditary breast ovarian cancer syndrome. Also called: Hereditary breast and ovarian cancer syndrome (HBOC); Hereditary breast and ovarian cancer; Hereditary breast and ovarian cancer syndrome; Breast and ovarian cancer; Hereditary breast and/or ovarian cancer syndrome; BRCA1- and BRCA2-Associated Hereditary Breast and Ovarian Cancer. Identifiers: Orphanet 145, MedGen C0677776, MeSH D061325, MONDO:0003582. Disease mechanism: loss of function.

gnomAD v4.1: 1 of 1,613,550 alleles (0.000062%); highest among the groups gnomAD compares: Non-Finnish European, 0.000085%; no homozygotes.

Submissions (3):

Quest Diagnostics Nichols Institute San Juan Capistrano
Classification: Uncertain significance. Last evaluated: 2025-10-21. Review status: criteria provided, single submitter. Criteria: Quest Diagnostics criteria. Collection method: clinical testing. Allele origin: unknown.
Comment: The BRCA1 c.3292C>T (p.Leu1098Phe) variant has been reported in the published to be located in a region of the BRCA1 gene that is tolerant to missense sequence changes (PMID: 31911673 (2020)). To the best of our knowledge, this variant has not been reported in individuals with BRCA1-related disorders. This variant has not been reported in large, multi-ethnic general populations (Genome Aggregation Database). Analysis of this variant using bioinformatics tools for the prediction of the effect of amino acid changes on protein structure and function yielded predictions that this variant is benign. Based on the available information, we are unable to determine the clinical significance of this variant.

Labcorp Genetics (formerly Invitae), Labcorp
Classification: Uncertain significance for Hereditary breast ovarian cancer syndrome. Last evaluated: 2025-08-26. Review status: criteria provided, single submitter. Criteria: Invitae Variant Classification Sherloc (09022015). Collection method: clinical testing. Allele origin: germline.
Comment: This sequence change replaces leucine, which is neutral and non-polar, with phenylalanine, which is neutral and non-polar, at codon 1098 of the BRCA1 protein (p.Leu1098Phe). This variant is not present in population databases (gnomAD no frequency). This variant has not been reported in the literature in individuals affected with BRCA1-related conditions. ClinVar contains an entry for this variant (Variation ID: 252394). Invitae Evidence Modeling of protein sequence and biophysical properties (such as structural, functional, and spatial information, amino acid conservation, physicochemical variation, residue mobility, and thermodynamic stability) indicates that this missense variant is not expected to disrupt BRCA1 protein function with a negative predictive value of 80%. In summary, the available evidence is currently insufficient to determine the role of this variant in disease. Therefore, it has been classified as a Variant of Uncertain Significance.

University of Washington Department of Laboratory Medicine, University of Washington
Classification: Likely benign for Hereditary cancer-predisposing syndrome. Last evaluated: 2023-03-23. Review status: criteria provided, single submitter. Criteria: Dines et al. (Genet Med. 2020). Collection method: curation. Allele origin: germline.
Comment: Missense variant in a coldspot region where missense variants are very unlikely to be pathogenic (PMID:31911673).

BRCA1 coldspot (exon 11 using historical exon numbering). Reclassification based on statistical prior probability

Literature cited by the submitters: PubMed 31911673 (cited by Quest Diagnostics Nichols Institute San Juan Capistrano); PubMed 26295337 (cited by Quest Diagnostics Nichols Institute San Juan Capistrano).

NM_007294.4(BRCA1):c.3292C>T (p.Leu1098Phe)

Genes: BRCA1 (BRCA1 DNA repair associated; minus strand), LOC126862571 (BRD4-independent group 4 enhancer GRCh37_chr17:41243136-41244335; plus strand). Cytogenetic location: 17q21.31.
Variant type: single nucleotide variant.
Coding change: c.3292C>T on transcript NM_007294.4 (MANE Select); coding-DNA position 3292, C replaced by T.
Protein change: p.Leu1098Phe; replaces leucine 1098 with phenylalanine.
Molecular consequence: missense variant. On other transcripts: intron variant (137).
Genome position (GRCh38, 1-based): chr17:43,092,239, G>A on the plus strand (C>T on the coding strand, the complement: BRCA1 is on the minus strand). VCF-style: chr17-43092239-G-A. GRCh37 (hg19) VCF-style: chr17-41244256-G-A.
Other names: c.788-1207C>T (NM_001407979.1, NM_001407977.1, NM_001407982.1 and 17 more transcripts); c.647-1207C>T (NM_001408410.1, NM_001408458.1, NM_001408469.1 and 11 more transcripts); c.710-1207C>T (NM_001408415.1, NM_001408412.1, NM_001408409.1 and 2 more transcripts); c.578-1207C>T (NM_001408483.1, NM_001408481.1, NM_001408480.1 and 9 more transcripts); c.665-1207C>T (NM_001408442.1, NM_001408426.1, NM_001408436.1 and 12 more transcripts); c.3079C>T, p.Leu1027Phe (NM_001407571.1, NM_001407853.1, NM_001407894.1 and 9 more transcripts); c.3292C>T, p.Leu1098Phe (NM_001407581.1, NM_001407582.1, NM_001407583.1 and 30 more transcripts); c.3289C>T, p.Leu1097Phe (NM_001407587.1, NM_001407590.1, NM_001407591.1 and 22 more transcripts); and 41 more; short protein forms L1098F, L1051F, L1030F, L1071F, L971F, L1027F, L1097F, L930F.
Identifiers: ClinVar variation 252394 (VCV000252394.7), dbSNP rs879255291, ClinGen allele CA10585916.